The following is an entry in ClinVar:

ClinVar aggregate classification (germline): Conflicting classifications of pathogenicity. Review status: criteria provided, conflicting classifications (1 of 4 stars). 4 submissions from 4 submitters: Uncertain significance (1); Likely benign (3). Last evaluated 2026-02-12.

Conditions:
Severe combined immunodeficiency, autosomal recessive, T cell-negative, B cell-negative, NK cell-positive. Also called: SCID, T CELL-NEGATIVE, B CELL-NEGATIVE, NK CELL-POSITIVE; SCID, AR, T-cell negative, B-cell negative, NK cell-positive; Severe combined immunodeficiency due to complete RAG1/2 deficiency. Identifiers: Orphanet 331206, MedGen C1832322, MONDO:0011086, OMIM 601457.
Combined immunodeficiency with skin granulomas. Identifiers: Orphanet 157949, MedGen C2673536, MONDO:0009306, OMIM 233650.
RAG1-related disorder. Also called: RAG1-related disorders; RAG1-related condition.

Allele frequency attached by ClinVar (database versions not stated): gnomAD exomes 0.00020; ExAC 0.00021; 1000 Genomes Project 30x 0.00031; 1000 Genomes Project 0.00040; gnomAD 0.00062 and 0.00068; TOPMed 0.00080; ESP Exome Variant Server 0.00092.
gnomAD v4.1: 208 of 1,614,138 alleles (0.013%); highest among the groups gnomAD compares: African/African-American, 0.2%; no homozygotes.

Submissions (4):

Women's Health and Genetics/Laboratory Corporation of America, LabCorp
Classification: Uncertain significance. Last evaluated: 2026-02-12. Review status: criteria provided, single submitter. Criteria: LabCorp Variant Classification Summary - May 2015. Collection method: clinical testing. Allele origin: germline.
Comment: Variant summary: RAG1 c.740G>A (p.Arg247His) results in a non-conservative amino acid change in the encoded protein sequence. Algorithms developed to predict the effect of missense changes on protein structure and function are either unavailable or do not agree on the potential impact of this missense change. The variant allele was found at a frequency of 0.0002 in 250894 control chromosomes. This frequency is not significantly higher than estimated for disease-causing variants in RAG1, allowing no conclusion about variant significance. To our knowledge, no occurrence of c.740G>A in individuals affected with RAG1-related conditions and no experimental evidence demonstrating its impact on protein function have been reported. ClinVar contains an entry for this variant (Variation ID: 958226). Based on the evidence outlined above, the variant was classified as uncertain significance.

Labcorp Genetics (formerly Invitae), Labcorp
Classification: Likely benign for Combined immunodeficiency with skin granulomas; Severe combined immunodeficiency, autosomal recessive, T cell-negative, B cell-negative, NK cell-positive. Last evaluated: 2026-01-20. Review status: criteria provided, single submitter. Criteria: Invitae Variant Classification Sherloc (09022015). Collection method: clinical testing. Allele origin: germline.

PreventionGenetics, part of Exact Sciences
Classification: Likely benign for RAG1-related condition. Last evaluated: 2024-11-20. Review status: criteria provided, single submitter. Criteria: ACMG Guidelines, 2015. Collection method: clinical testing. Allele origin: germline.
Comment: This variant is classified as likely benign based on ACMG/AMP sequence variant interpretation guidelines (Richards et al. 2015 PMID: 25741868, with internal and published modifications).

Blueprint Genetics
Classification: Likely benign. Last evaluated: 2023-12-08. Review status: criteria provided, single submitter. Criteria: ACMG Guidelines, 2015. Collection method: clinical testing. Allele origin: germline.

NM_000448.3(RAG1):c.740G>A (p.Arg247His)

Gene: RAG1 (recombination activating 1; plus strand). Cytogenetic location: 11p12.
Variant type: single nucleotide variant.
Coding change: c.740G>A on transcript NM_000448.3 (MANE Select); coding-DNA position 740, G replaced by A.
Protein change: p.Arg247His; replaces arginine 247 with histidine.
Molecular consequence: missense variant.
Genome position (GRCh38, 1-based): chr11:36,574,044, G>A. VCF-style: chr11-36574044-G-A. GRCh37 (hg19) VCF-style: chr11-36595594-G-A.
Other names: c.740G>A, p.Arg247His (NM_001377277.1, NM_001377278.1, NM_001377279.1 and 1 more transcripts); short protein forms R247H.
Identifiers: ClinVar variation 958226 (VCV000958226.13), dbSNP rs4151029, ClinGen allele CA5950041.